The following is an entry in ClinVar:

NM_004320.6(ATP2A1):c.1764+6C>T

Gene: ATP2A1 (ATPase sarcoplasmic/endoplasmic reticulum Ca2+ transporting 1; plus strand). Cytogenetic location: 16p11.2.
Variant type: single nucleotide variant.
Coding change: c.1764+6C>T on transcript NM_004320.6 (MANE Select); 6 bases into the intron after coding-DNA position 1764, C replaced by T.
Molecular consequence: intron variant.
Genome position (GRCh38, 1-based): chr16:28,898,457, C>T. VCF-style: chr16-28898457-C-T. GRCh37 (hg19) VCF-style: chr16-28909778-C-T.
Other names: c.1764+6C>T (NM_173201.5); c.1389+6C>T (NM_001286075.2).
Identifiers: ClinVar variation 2151466 (VCV002151466.2), dbSNP rs1043084841, ClinGen allele CA2575960477.
Genomic context (GRCh38, chr16:28,898,457, plus strand): 5'-CCCGAAGCGAGAGGAAATGGTCCTGGATGACTCTGCCAGGTTCCTGGAGTATGAGGTAAG[C>T]AGCTGGGAGCCTCCCACTGTCGTGGAGCTGGTGAAGGGCCGGGTCCCAGCCATCCACTCA-3'

ClinVar aggregate classification (germline): Uncertain significance (1 of 4 stars; one submission).

Conditions:
Brody myopathy. Also called: BRODY DISEASE. Identifiers: Orphanet 53347, MedGen C1832918, MONDO:0010977, OMIM 601003.

gnomAD v4.1: 3 of 1,556,618 alleles (0.00019%); highest among the groups gnomAD compares: Non-Finnish European, 0.00026%; no homozygotes.

Submission:

Labcorp Genetics (formerly Invitae), Labcorp
Classification: Uncertain significance for Brody myopathy. Last evaluated: 2022-07-15. Review status: criteria provided, single submitter. Criteria: Invitae Variant Classification Sherloc (09022015). Collection method: clinical testing. Allele origin: germline.
Comment: In summary, the available evidence is currently insufficient to determine the role of this variant in disease. Therefore, it has been classified as a Variant of Uncertain Significance. Variants that disrupt the consensus splice site are a relatively common cause of aberrant splicing (PMID: 17576681, 9536098). Algorithms developed to predict the effect of sequence changes on RNA splicing suggest that this variant is not likely to affect RNA splicing. This variant has not been reported in the literature in individuals affected with ATP2A1-related conditions. This variant is not present in population databases (gnomAD no frequency). This sequence change falls in intron 14 of the ATP2A1 gene. It does not directly change the encoded amino acid sequence of the ATP2A1 protein. It affects a nucleotide within the consensus splice site.

Literature cited by the submitters: PubMed 17576681; PubMed 9536098.